The following is an entry in ClinVar:

NM_000171.4(GLRA1):c.298del (p.Arg100fs)

Gene: GLRA1 (glycine receptor alpha 1; minus strand). Cytogenetic location: 5q33.1.
Variant type: Deletion.
Coding change: c.298del on transcript NM_000171.4 (MANE Select); coding-DNA position 298, one base deleted (C; older notation c.298delC).
Protein change: p.Arg100fs; shifts the reading frame from arginine 100.
Molecular consequence: frameshift variant.
Genome position (GRCh38, 1-based): chr5:151,859,963, G deleted on the plus strand (C on the coding strand, the reverse complement: GLRA1 is on the minus strand); the first of 5 consecutive G bases (chr5:151,859,963-151,859,967); deleting any one gives the same sequence. VCF-style (leftmost placement, unchanged base first): chr5-151859962-CG-C. GRCh37 (hg19) VCF-style: chr5-151239523-CG-C.
Other names: c.298del, p.Arg100fs (NM_001146040.2); c.49del, p.Arg17fs (NM_001292000.2); c.298del (NM_000171.3); short protein forms R100fs, R17fs.
Identifiers: ClinVar variation 16067 (VCV000016067.12), dbSNP rs281864915, ClinGen allele CA325637.
Genomic context (GRCh38, chr5:151,859,962, plus strand): 5'-GAGTCCAGCATGGATGGGTCCAGGTCCAGAGAGTCGTCAGGGTATTCATTATAGGCCAGG[CG>C]GGGGTCGTTCCATTGCTGCCGCAGGAAGATGTTGACCCTATAGTCCTACAGCCAGGAAAT-3'

ClinVar aggregate classification (germline): Pathogenic/Likely pathogenic. Review status: criteria provided, multiple submitters, no conflicts (2 of 4 stars). 3 submissions from 3 submitters: Pathogenic (1); Likely pathogenic (1). 1 of the submissions does not count toward it. Last evaluated 2024-08-05.

Conditions:
Hereditary hyperekplexia. Identifiers: Orphanet 3197, MedGen C4084968, MONDO:0021022.
Hyperekplexia 1 (STHE). Also called: STARTLE DISEASE, FAMILIAL; STIFF-BABY SYNDROME; STIFF-MAN SYNDROME, CONGENITAL; STIFF-PERSON SYNDROME, CONGENITAL; HYPEREKPLEXIA 1, AUTOSOMAL DOMINANT; HYPEREKPLEXIA 1, AUTOSOMAL RECESSIVE. Identifiers: Orphanet 3197, MedGen C4551954, MONDO:0007868, OMIM 149400.

Submissions (3):

Labcorp Genetics (formerly Invitae), Labcorp
Classification: Pathogenic for Hereditary hyperekplexia. Last evaluated: 2024-08-05. Review status: criteria provided, single submitter. Criteria: Invitae Variant Classification Sherloc (09022015). Collection method: clinical testing. Allele origin: germline.
Comment: This sequence change creates a premature translational stop signal (p.Arg100Alafs*47) in the GLRA1 gene. It is expected to result in an absent or disrupted protein product. Loss-of-function variants in GLRA1 are known to be pathogenic (PMID: 20631190, 24108130). This variant is present in population databases (rs281864915, gnomAD 0.002%). This premature translational stop signal has been observed in individual(s) with autosomal recessive hyperekplexia (PMID: 11702206). This variant is also known as delC 601-605. ClinVar contains an entry for this variant (Variation ID: 16067). For these reasons, this variant has been classified as Pathogenic.

Fulgent Genetics
Classification: Likely pathogenic for Hyperekplexia 1. Last evaluated: 2024-05-21. Review status: criteria provided, single submitter. Criteria: ACMG Guidelines, 2015. Collection method: clinical testing. Allele origin: germline.

OMIM
Classification: Pathogenic for HYPEREKPLEXIA 1, AUTOSOMAL RECESSIVE. Last evaluated: 2001-09-01. Review status: no assertion criteria provided. Collection method: literature only. Allele origin: germline. Not counted in ClinVar's aggregate classification.

Literature cited by the submitters: PubMed 20631190 (cited by Labcorp Genetics (formerly Invitae), Labcorp); PubMed 24108130 (cited by Labcorp Genetics (formerly Invitae), Labcorp); PubMed 11702206 (cited by Labcorp Genetics (formerly Invitae), Labcorp and OMIM).